The following is an entry in ClinVar:

ClinVar aggregate classification (germline): Likely pathogenic. Review status: criteria provided, single submitter (1 of 4 stars). 2 submissions from 2 submitters: Likely pathogenic (1). 1 of the submissions does not count toward it. Last evaluated 2025-06-24.

Conditions:
Nephrogenic diabetes insipidus. Identifiers: Orphanet 223, MedGen C0162283, MONDO:0016383, HP:0009806.
Diabetes insipidus, nephrogenic, autosomal (NDI2). Also called: Nephrogenic Diabetes Insipidus, Type II; Diabetes insipidus, nephrogenic, 2, autosomal. Identifiers: Orphanet 223, MedGen C1563706, MONDO:0007451, OMIM 125800.

Submissions (2):

Natera, Inc.
Classification: Likely pathogenic for Nephrogenic diabetes insipidus. Last evaluated: 2025-06-24. Review status: criteria provided, single submitter. Criteria: Natera Variant Classification Schema (03/2026). Collection method: clinical testing. Allele origin: germline.
Comment: The c.727del variant in AQP2 is a frameshift variant predicted to elongate the protein beyond the termination codon. This variant is rare in the general population with a frequency below the threshold expected for the associated phenotype(s). Functional studies show that this variant may disrupt protein function (PMID: 11929850). Given the available evidence, this variant is classified as Likely Pathogenic.

OMIM
Classification: Pathogenic for DIABETES INSIPIDUS, NEPHROGENIC, 2, AUTOSOMAL DOMINANT. Last evaluated: 2002-04-01. Review status: no assertion criteria provided. Collection method: literature only. Allele origin: germline. Not counted in ClinVar's aggregate classification.

Literature cited by the submitters: PubMed 11929850 (cited by Natera, Inc. and OMIM); PubMed 11536078 (cited by OMIM).

NM_000486.6(AQP2):c.727del (p.Asp243fs)

Genes: AQP2 (aquaporin 2; plus strand), AQP5-AS1 (AQP5 and AQP2 antisense RNA 2; minus strand). Cytogenetic location: 12q13.12.
Variant type: Deletion.
Coding change: c.727del on transcript NM_000486.6 (MANE Select); coding-DNA position 727, one base deleted (G; older notation c.727delG).
Protein change: p.Asp243fs; shifts the reading frame from aspartic acid 243.
Molecular consequence: frameshift variant.
Genome position (GRCh38, 1-based): chr12:49,955,519, G deleted; the last of 2 consecutive G bases (chr12:49,955,518-49,955,519); deleting either gives the same sequence. VCF-style (leftmost placement, unchanged base first): chr12-49955517-CG-C. GRCh37 (hg19) VCF-style: chr12-50349300-CG-C.
Other names: c.727del (NM_000486.5); c.727delG (NM_000486.5); short protein forms D243fs.
Identifiers: ClinVar variation 17841 (VCV000017841.4), dbSNP rs1565637189, ClinGen allele CA891843501.